The following is an entry in ClinVar:

NM_000214.3(JAG1):c.2716A>C (p.Lys906Gln)

Gene: JAG1 (jagged canonical Notch ligand 1; minus strand). Cytogenetic location: 20p12.2.
Variant type: single nucleotide variant.
Coding change: c.2716A>C on transcript NM_000214.3 (MANE Select); coding-DNA position 2716, A replaced by C.
Protein change: p.Lys906Gln; replaces lysine 906 with glutamine.
Molecular consequence: missense variant.
Genome position (GRCh38, 1-based): chr20:10,641,660, T>G on the plus strand (A>C on the coding strand, the complement: JAG1 is on the minus strand). VCF-style: chr20-10641660-T-G. GRCh37 (hg19) VCF-style: chr20-10622308-T-G.
Other names: short protein forms K906Q.
Identifiers: ClinVar variation 2060009 (VCV002060009.4), dbSNP rs2067273359, ClinGen allele CA408245132.

ClinVar aggregate classification (germline): Uncertain significance (1 of 4 stars; one submission).

Conditions:
Alagille syndrome due to a JAG1 point mutation. Also called: Alagille Syndrome 1; HEPATIC DUCTULAR HYPOPLASIA, SYNDROMATIC; JAG1-Related Alagille Syndrome. Identifiers: Orphanet 261619, Orphanet 52, MedGen C1956125, MONDO:0016862, OMIM 118450.

Allele frequency attached by ClinVar (database versions not stated): gnomAD exomes below 0.00001.
gnomAD v4.1: 1 of 1,613,976 alleles (0.000062%); highest among the groups gnomAD compares: Non-Finnish European, 0.000085%; no homozygotes.

Submission:

Labcorp Genetics (formerly Invitae), Labcorp
Classification: Uncertain significance for Alagille syndrome due to a JAG1 point mutation. Last evaluated: 2022-03-16. Review status: criteria provided, single submitter. Criteria: Invitae Variant Classification Sherloc (09022015). Collection method: clinical testing. Allele origin: germline.
Comment: This variant has not been reported in the literature in individuals affected with JAG1-related conditions. This sequence change replaces lysine, which is basic and polar, with glutamine, which is neutral and polar, at codon 906 of the JAG1 protein (p.Lys906Gln). This variant is not present in population databases (gnomAD no frequency). Advanced modeling of protein sequence and biophysical properties (such as structural, functional, and spatial information, amino acid conservation, physicochemical variation, residue mobility, and thermodynamic stability) performed at Invitae indicates that this missense variant is not expected to disrupt JAG1 protein function. In summary, the available evidence is currently insufficient to determine the role of this variant in disease. Therefore, it has been classified as a Variant of Uncertain Significance.